The following is an entry in ClinVar:

ClinVar aggregate classification (germline): Uncertain significance (1 of 4 stars; one submission).

Submission:

Ambry Genetics
Classification: Uncertain significance. Last evaluated: 2025-07-28. Review status: criteria provided, single submitter. Criteria: Ambry Variant Classification Scheme 2023. Collection method: clinical testing. Allele origin: germline.
Comment: The p.E428G variant (also known as c.1283A>G), located in coding exon 5 of the WNK2 gene, results from an A to G substitution at nucleotide position 1283. The glutamic acid at codon 428 is replaced by glycine, an amino acid with similar properties. This amino acid position is conserved. In addition, the in silico prediction for this alteration is inconclusive. Based on the available evidence, the clinical significance of this variant remains unclear.

NM_006648.4(WNK2):c.1283A>G (p.Glu428Gly)

Gene: WNK2 (WNK lysine deficient protein kinase 2; plus strand). Cytogenetic location: 9q22.31.
Variant type: single nucleotide variant.
Coding change: c.1283A>G on transcript NM_006648.4 (MANE Select); coding-DNA position 1283, A replaced by G.
Protein change: p.Glu428Gly; replaces glutamic acid 428 with glycine.
Molecular consequence: missense variant.
Genome position (GRCh38, 1-based): chr9:93,238,282, A>G. VCF-style: chr9-93238282-A-G. GRCh37 (hg19) VCF-style: chr9-96000564-A-G.
Other names: c.1283A>G, p.Glu428Gly (NM_001282394.3); short protein forms E428G.
Identifiers: ClinVar variation 4201671 (VCV004201671.1).
Genomic context (GRCh38, chr9:93,238,282, plus strand): 5'-CTCCCTGTCAGGGTATCAAGCCGGCCAGCTTTGAGAAAGTGCACGATCCTGAAATCAAGG[A>G]GATTATTGGGGAGTGTATCTGCAAAAACAAGGAGGAAAGGTGAGTTCCCCTGAAGGGCTG-3'
Protein context (NP_006639.3, residues 418-438): FEKVHDPEIK[Glu428Gly]IIGECICKNK